The following is an entry in ClinVar:

NM_032492.4(JAGN1):c.11G>T (p.Arg4Leu)

Gene: JAGN1 (jagunal vesicle mediated transporter 1; plus strand). Cytogenetic location: 3p25.3.
Variant type: single nucleotide variant.
Coding change: c.11G>T on transcript NM_032492.4 (MANE Select); coding-DNA position 11, G replaced by T.
Protein change: p.Arg4Leu; replaces arginine 4 with leucine.
Molecular consequence: missense variant. On other transcripts: 5 prime UTR variant (1).
Genome position (GRCh38, 1-based): chr3:9,890,733, G>T. VCF-style: chr3-9890733-G-T. GRCh37 (hg19) VCF-style: chr3-9932417-G-T.
Other names: c.-258G>T (NM_001363890.1); short protein forms R4L.
Identifiers: ClinVar variation 1467577 (VCV001467577.8), dbSNP rs569985954, ClinGen allele CA351711516.

ClinVar aggregate classification (germline): Uncertain significance (1 of 4 stars; one submission).

Conditions:
Autosomal recessive severe congenital neutropenia due to JAGN1 deficiency. Also called: Severe congenital neutropenia 6, autosomal recessive. Identifiers: Orphanet 423384, MedGen C4014954, MONDO:0014456, OMIM 616022.

Submission:

Labcorp Genetics (formerly Invitae), Labcorp
Classification: Uncertain significance for Autosomal recessive severe congenital neutropenia due to JAGN1 deficiency. Last evaluated: 2022-02-05. Review status: criteria provided, single submitter. Criteria: Invitae Variant Classification Sherloc (09022015). Collection method: clinical testing. Allele origin: germline.
Comment: This sequence change replaces arginine, which is basic and polar, with leucine, which is neutral and non-polar, at codon 4 of the JAGN1 protein (p.Arg4Leu). This variant is not present in population databases (gnomAD no frequency). This variant has not been reported in the literature in individuals affected with JAGN1-related conditions. Algorithms developed to predict the effect of missense changes on protein structure and function are either unavailable or do not agree on the potential impact of this missense change (SIFT: "Deleterious"; PolyPhen-2: "Probably Damaging"; Align-GVGD: "Class C0"). In summary, the available evidence is currently insufficient to determine the role of this variant in disease. Therefore, it has been classified as a Variant of Uncertain Significance.